The following is an entry in ClinVar:

ClinVar aggregate classification (germline): Uncertain significance (1 of 4 stars; one submission).

Conditions:
Arthrogryposis, distal, type 1A. Also called: ARTHROGRYPOSIS MULTIPLEX CONGENITA, DISTAL, TYPE I. Identifiers: Orphanet 1146, MedGen C6022280, MONDO:0007157, OMIM 108120.

Allele frequency attached by ClinVar (database versions not stated): gnomAD exomes 0.00001; TOPMed 0.00001; ESP Exome Variant Server 0.00008; ExAC 0.00009.
gnomAD v4.1: 18 of 1,552,144 alleles (0.0012%); highest among the groups gnomAD compares: African/African-American, 0.0014%; no homozygotes.

Submission:

Labcorp Genetics (formerly Invitae), Labcorp
Classification: Uncertain significance for Arthrogryposis, distal, type 1A. Last evaluated: 2022-03-11. Review status: criteria provided, single submitter. Criteria: Invitae Variant Classification Sherloc (09022015). Collection method: clinical testing. Allele origin: germline.
Comment: In summary, the available evidence is currently insufficient to determine the role of this variant in disease. Therefore, it has been classified as a Variant of Uncertain Significance. Algorithms developed to predict the effect of missense changes on protein structure and function (SIFT, PolyPhen-2, Align-GVGD) all suggest that this variant is likely to be tolerated. This variant has not been reported in the literature in individuals affected with TPM2-related conditions. The frequency data for this variant in the population databases is considered unreliable, as metrics indicate poor data quality at this position in the gnomAD database. This sequence change replaces alanine, which is neutral and non-polar, with threonine, which is neutral and polar, at codon 277 of the TPM2 protein (p.Ala277Thr).

NM_003289.4(TPM2):c.829G>A (p.Ala277Thr)

Gene: TPM2 (tropomyosin 2; minus strand). Cytogenetic location: 9p13.3.
Variant type: single nucleotide variant.
Coding change: c.829G>A on transcript NM_003289.4 (MANE Select); coding-DNA position 829, G replaced by A.
Protein change: p.Ala277Thr; replaces alanine 277 with threonine.
Molecular consequence: missense variant. On other transcripts: intron variant (2).
Genome position (GRCh38, 1-based): chr9:35,683,185, C>T on the plus strand (G>A on the coding strand, the complement: TPM2 is on the minus strand). VCF-style: chr9-35683185-C-T. GRCh37 (hg19) VCF-style: chr9-35683182-C-T.
Other names: c.829G>A, p.Ala277Thr (NM_001301227.2); c.773-1022G>A (NM_213674.1, NM_001301226.2); short protein forms A277T.
Identifiers: ClinVar variation 2161599 (VCV002161599.4), dbSNP rs371325326, ClinGen allele CA5047145.
Genomic context (GRCh38, chr9:35,683,185, plus strand): 5'-GAAGAGAGCTGAGGTGGCCACGCTGGCGTGGGGCTCAGAGGGAGGTGATGTCATTGAGTG[C>T]GTTGTCCAGTTCCTCGCTAATGGCCTTGTACTTCATCTTCTGGGCATAGACTTCATCTGG-3'
Protein context (NP_003280.2, residues 267-284): YKAISEELDN[Ala277Thr]LNDITSL